The following is an entry in ClinVar:

ClinVar aggregate classification (germline): Uncertain significance. Review status: criteria provided, multiple submitters, no conflicts (2 of 4 stars). 2 submissions from 2 submitters: Uncertain significance (2). Last evaluated 2024-11-18.

gnomAD v4.1: 5 of 1,583,746 alleles (0.00032%); highest among the groups gnomAD compares: Non-Finnish European, 0.00034%; no homozygotes.

Submissions (2):

Labcorp Genetics (formerly Invitae), Labcorp
Classification: Uncertain significance. Last evaluated: 2024-11-18. Review status: criteria provided, single submitter. Criteria: Invitae Variant Classification Sherloc (09022015). Collection method: clinical testing. Allele origin: germline.
Comment: This sequence change replaces arginine, which is basic and polar, with tryptophan, which is neutral and slightly polar, at codon 485 of the RIMS1 protein (p.Arg485Trp). The frequency data for this variant in the population databases is considered unreliable, as metrics indicate poor data quality at this position in the gnomAD database. This variant has not been reported in the literature in individuals affected with RIMS1-related conditions. ClinVar contains an entry for this variant (Variation ID: 1949306). An algorithm developed to predict the effect of missense changes on protein structure and function (PolyPhen-2) suggests that this variant is likely to be disruptive. In summary, the available evidence is currently insufficient to determine the role of this variant in disease. Therefore, it has been classified as a Variant of Uncertain Significance.

Ambry Genetics
Classification: Uncertain significance. Last evaluated: 2024-10-16. Review status: criteria provided, single submitter. Criteria: Ambry Variant Classification Scheme 2023. Collection method: clinical testing. Allele origin: germline.

NM_014989.7(RIMS1):c.1453C>T (p.Arg485Trp)

Gene: RIMS1 (regulating synaptic membrane exocytosis 1; plus strand). Cytogenetic location: 6q13.
Variant type: single nucleotide variant.
Coding change: c.1453C>T on transcript NM_014989.7 (MANE Select); coding-DNA position 1453, C replaced by T.
Protein change: p.Arg485Trp; replaces arginine 485 with tryptophan.
Molecular consequence: missense variant.
Genome position (GRCh38, 1-based): chr6:72,182,924, C>T. VCF-style: chr6-72182924-C-T. GRCh37 (hg19) VCF-style: chr6-72892627-C-T.
Other names: c.1453C>T (NM_014989.4); short protein forms R485W.
Identifiers: ClinVar variation 1949306 (VCV001949306.6), dbSNP rs940684990, ClinGen allele CA364821448.
Genomic context (GRCh38, chr6:72,182,924, plus strand): 5'-AAAGCCCAGGAGCCCCTCAGGAAGCAGAGCCGCCTGGACCCCAGCTCGGCGGTCCTCATG[C>T]GGAAGGCCAAGCGCGAGAAGGTGGAGACCATGCTGCGGAACGACTCTTTGAGCTCAGACC-3'
Protein context (NP_055804.2, residues 475-495): RLDPSSAVLM[Arg485Trp]KAKREKVETM